The following is an entry in ClinVar:

ClinVar aggregate classification (germline): Uncertain significance (1 of 4 stars; one submission).

Conditions:
BDNF-related disorder. Also called: BDNF-related condition.

Submission:

PreventionGenetics, part of Exact Sciences
Classification: Uncertain significance for BDNF-related condition. Last evaluated: 2025-04-15. Review status: criteria provided, single submitter. Criteria: ACMG Guidelines, 2015. Collection method: clinical testing. Allele origin: germline.
Comment: The BDNF c.872G>T variant is predicted to result in the amino acid substitution p.Arg291Leu. To our knowledge, this variant has not been reported in the literature. This variant is reported in 0.0029% of alleles in individuals of Latino descent in gnomAD. At this time, the clinical significance of this variant is uncertain due to the absence of conclusive functional and genetic evidence.

NM_001709.5(BDNF):c.626G>T (p.Arg209Leu)

Genes: BDNF (brain derived neurotrophic factor; minus strand), BDNF-AS (BDNF antisense RNA; plus strand). Cytogenetic location: 11p14.1.
Variant type: single nucleotide variant.
Coding change: c.626G>T on transcript NM_001709.5 (MANE Select); coding-DNA position 626, G replaced by T.
Protein change: p.Arg209Leu; replaces arginine 209 with leucine.
Molecular consequence: missense variant.
Genome position (GRCh38, 1-based): chr11:27,657,939, C>A on the plus strand (G>T on the coding strand, the complement: BDNF is on the minus strand). VCF-style: chr11-27657939-C-A. GRCh37 (hg19) VCF-style: chr11-27679486-C-A.
Other names: c.626G>T, p.Arg209Leu (NM_001143805.1, NM_001143806.1, NM_001143807.2 and 9 more transcripts); c.713G>T, p.Arg238Leu (NM_001143809.2); c.872G>T, p.Arg291Leu (NM_001143810.2); c.650G>T, p.Arg217Leu (NM_170731.5); c.671G>T, p.Arg224Leu (NM_170734.4); short protein forms R224L, R291L, R238L, R209L, R217L.
Identifiers: ClinVar variation 4989383 (VCV004989383.1).